The following is an entry in ClinVar:

ClinVar aggregate classification (germline): Uncertain significance. Review status: criteria provided, multiple submitters, no conflicts (2 of 4 stars). 2 submissions from 2 submitters: Uncertain significance (2). Last evaluated 2025-06-05.

Conditions:
Autosomal dominant epilepsy with auditory features. Identifiers: Orphanet 101046, MedGen C1838062, MONDO:0010898.

Submissions (2):

GeneDx
Classification: Uncertain significance. Last evaluated: 2025-06-05. Review status: criteria provided, single submitter. Criteria: GeneDx Variant Classification Process June 2021. Collection method: clinical testing. Allele origin: germline. Affected: yes.
Comment: Not observed at significant frequency in large population cohorts (gnomAD); In silico analysis supports that this missense variant has a deleterious effect on protein structure/function; Has not been previously published as pathogenic or benign to our knowledge

Labcorp Genetics (formerly Invitae), Labcorp
Classification: Uncertain significance for Autosomal dominant epilepsy with auditory features. Last evaluated: 2024-04-25. Review status: criteria provided, single submitter. Criteria: Invitae Variant Classification Sherloc (09022015). Collection method: clinical testing. Allele origin: germline.
Comment: This sequence change replaces glutamine, which is neutral and polar, with arginine, which is basic and polar, at codon 469 of the LGI1 protein (p.Gln469Arg). This variant is not present in population databases (gnomAD no frequency). This variant has not been reported in the literature in individuals affected with LGI1-related conditions. ClinVar contains an entry for this variant (Variation ID: 423802). Advanced modeling of protein sequence and biophysical properties (such as structural, functional, and spatial information, amino acid conservation, physicochemical variation, residue mobility, and thermodynamic stability) has been performed at Invitae for this missense variant, however the output from this modeling did not meet the statistical confidence thresholds required to predict the impact of this variant on LGI1 protein function. In summary, the available evidence is currently insufficient to determine the role of this variant in disease. Therefore, it has been classified as a Variant of Uncertain Significance.

NM_005097.4(LGI1):c.1406A>G (p.Gln469Arg)

Gene: LGI1 (leucine rich glioma inactivated 1; plus strand). Cytogenetic location: 10q23.33.
Variant type: single nucleotide variant.
Coding change: c.1406A>G on transcript NM_005097.4 (MANE Select); coding-DNA position 1406, A replaced by G.
Protein change: p.Gln469Arg; replaces glutamine 469 with arginine.
Molecular consequence: missense variant. On other transcripts: non-coding transcript variant (1), intron variant (1).
Genome position (GRCh38, 1-based): chr10:93,797,535, A>G. VCF-style: chr10-93797535-A-G. GRCh37 (hg19) VCF-style: chr10-95557292-A-G.
Other names: c.1262A>G, p.Gln421Arg (NM_001308276.2); c.839-214A>G (NM_001308275.2); short protein forms Q469R, Q421R.
Identifiers: ClinVar variation 423802 (VCV000423802.8), dbSNP rs1064796638, ClinGen allele CA16619083.